The following is an entry in ClinVar:

ClinVar aggregate classification (germline): Uncertain significance (1 of 4 stars; one submission).

Conditions:
Neuronopathy, distal hereditary motor, autosomal recessive 4. Also called: Autosomal recessive lower motor neuron disease with childhood onset; NEUROPATHY, DISTAL HEREDITARY MOTOR, AUTOSOMAL RECESSIVE 4. Identifiers: Orphanet 206580, MedGen C1970211, MONDO:0012608, OMIM 611067.
Charcot-Marie-Tooth disease recessive intermediate C. Also called: CHARCOT-MARIE-TOOTH NEUROPATHY, RECESSIVE INTERMEDIATE C. Identifiers: Orphanet 369867, MedGen C3809309, MONDO:0014154, OMIM 615376.

gnomAD v4.1: 9 of 1,613,930 alleles (0.00056%); highest among the groups gnomAD compares: Non-Finnish European, 0.00076%; no homozygotes.

Submission:

Labcorp Genetics (formerly Invitae), Labcorp
Classification: Uncertain significance for Neuronopathy, distal hereditary motor, autosomal recessive 4; Charcot-Marie-Tooth disease recessive intermediate C. Last evaluated: 2022-07-12. Review status: criteria provided, single submitter. Criteria: Invitae Variant Classification Sherloc (09022015). Collection method: clinical testing. Allele origin: germline.
Comment: This sequence change replaces threonine, which is neutral and polar, with alanine, which is neutral and non-polar, at codon 127 of the PLEKHG5 protein (p.Thr127Ala). This variant is not present in population databases (gnomAD no frequency). This variant has not been reported in the literature in individuals affected with PLEKHG5-related conditions. ClinVar contains an entry for this variant (Variation ID: 1348569). Algorithms developed to predict the effect of missense changes on protein structure and function are either unavailable or do not agree on the potential impact of this missense change (SIFT: "Tolerated"; PolyPhen-2: "Probably Damaging"; Align-GVGD: "Class C0"). In summary, the available evidence is currently insufficient to determine the role of this variant in disease. Therefore, it has been classified as a Variant of Uncertain Significance.

NM_020631.6(PLEKHG5):c.379A>G (p.Thr127Ala)

Gene: PLEKHG5 (pleckstrin homology and RhoGEF domain containing G5; minus strand). Cytogenetic location: 1p36.31.
Variant type: single nucleotide variant.
Coding change: c.379A>G on transcript NM_020631.6 (MANE Select); coding-DNA position 379, A replaced by G.
Protein change: p.Thr127Ala; replaces threonine 127 with alanine.
Molecular consequence: missense variant.
Genome position (GRCh38, 1-based): chr1:6,474,511, T>C on the plus strand (A>G on the coding strand, the complement: PLEKHG5 is on the minus strand). VCF-style: chr1-6474511-T-C. GRCh37 (hg19) VCF-style: chr1-6534571-T-C.
Other names: c.490A>G, p.Thr164Ala (NM_001042663.3, NM_001265592.2); c.379A>G, p.Thr127Ala (NM_001042664.2, NM_001042665.2, NM_001265594.3 and 1 more transcripts); c.586A>G, p.Thr196Ala (NM_001265593.2); short protein forms T127A, T164A, T196A.
Identifiers: ClinVar variation 1348569 (VCV001348569.5), dbSNP rs2148591381, ClinGen allele CA338139272.
Genomic context (GRCh38, chr1:6,474,511, plus strand): 5'-CTTTGACACGAAGGTAGTGTCCCCCGAACCTGTAGGCCTCGAAGGTGAGGGACAGGGGTG[T>C]GTTGGACTGGTCCAGGTAGATGTCCACTTTGCCCAGCGCAATGCCCTTCCTTTCAAATAC-3'
Protein context (NP_065682.2, residues 117-137): KVDIYLDQSN[Thr127Ala]PLSLTFEAYR